The following is an entry in ClinVar:

ClinVar aggregate classification (germline): Pathogenic/Likely pathogenic. Review status: criteria provided, multiple submitters, no conflicts (2 of 4 stars). 6 submissions from 6 submitters: Pathogenic (3); Likely pathogenic (3). Last evaluated 2025-05-19.

Conditions:
Wilson disease (WND). Also called: Wilson's disease. Identifiers: Orphanet 905, MedGen C0019202, MONDO:0010200, OMIM 277900. Disease mechanism: loss of function.

gnomAD v4.1: 4 of 1,601,258 alleles (0.00025%); highest among the groups gnomAD compares: East Asian, 0.009%; no homozygotes.

Submissions (6):

Natera, Inc.
Classification: Pathogenic for Wilson disease. Last evaluated: 2025-05-19. Review status: criteria provided, single submitter. Criteria: Natera Variant Classification Schema (03/2026). Collection method: clinical testing. Allele origin: germline.
Comment: The c.3029A>C variant in ATP7B is a missense variant predicted to cause substitution of lysine to threonine at amino acid 1010. This variant is rare in the general population with a frequency below the threshold expected for the associated phenotype(s). This variant has been observed in one or more individuals affected with the associated recessive disease, as either homozygous or compound heterozygous with a second variant (PMID: 35220961, 20453399, 25130000, 32281751). A different variant at the same position has been determined to be Pathogenic or Likely Pathogenic. Computational prediction algorithms indicate this variant is likely to affect gene or protein function. Given the available evidence, this variant is classified as Pathogenic.

All of Us Research Program, National Institutes of Health
Classification: Likely pathogenic for Wilson disease. Last evaluated: 2024-02-05. Review status: criteria provided, single submitter. Criteria: ACMG Guidelines, 2015. Collection method: clinical testing. Allele origin: germline. Inheritance: Autosomal recessive inheritance. Observed: 1 variant allele, 1 heterozygote.
Comment: This missense variant replaces lysine with threonine at codon 1010 of the ATP7B protein. Computational prediction tool indicates that this variant may have a deleterious impact on protein structure and function. This variant alters a conserved lysine residue in the phosphorylation domain of the ATP7B protein (a.a. 1004 - 1031), a highly conserved region that is considered to be important for ATP7B protein function (PMID: 35245129; ClinVar). To our knowledge, functional studies have not been reported for this variant. This variant has been observed in individuals affected with autosomal recessive Wilson disease (PMID: 10790207, 11721763, 25089800, 25130000, 27022412, 29930488, 31172689, 34240825, 35782615), including in three individuals in the compound heterozygous state or in unknown phase with a second pathogenic variant in the same gene (PMID: 11721763, 25130000, 29930488). This variant has been identified in 1/227002 chromosomes in the general population by the Genome Aggregation Database (gnomAD). A different missense variant occurring at the same codon, p.Lys1010Arg, is reported as disease-causing (ClinVar variation ID: 962980), indicating that lysine at this position is important for ATP7B protein function. Based on the available evidence, this variant is classified as Likely Pathogenic.

This study involves interpretation of variants in research participants for the purpose of population health screening. Participant phenotype was not available at the time of variant classification. Additional details can be found in publication PMID: 35346344, PMCID: PMC8962531

Baylor Genetics
Classification: Pathogenic for Wilson disease. Last evaluated: 2023-09-03. Review status: criteria provided, single submitter. Criteria: ACMG Guidelines, 2015. Collection method: clinical testing. Allele origin: unknown.

Mayo Clinic Laboratories, Mayo Clinic
Classification: Likely pathogenic. Last evaluated: 2023-02-02. Review status: criteria provided, single submitter. Criteria: ACMG Guidelines, 2015. Collection method: clinical testing. Allele origin: germline. Observed: 1 variant allele.
Comment: PP3, PP4, PM2, PM3, PM5

Labcorp Genetics (formerly Invitae), Labcorp
Classification: Pathogenic for Wilson disease. Last evaluated: 2022-03-09. Review status: criteria provided, single submitter. Criteria: Invitae Variant Classification Sherloc (09022015). Collection method: clinical testing. Allele origin: germline.
Comment: ClinVar contains an entry for this variant (Variation ID: 1075647). This missense change has been observed in individual(s) with Wilson disease (PMID: 11721763). This sequence change replaces lysine, which is basic and polar, with threonine, which is neutral and polar, at codon 1010 of the ATP7B protein (p.Lys1010Thr). This variant is present in population databases (no rsID available, gnomAD 0.006%). Advanced modeling of protein sequence and biophysical properties (such as structural, functional, and spatial information, amino acid conservation, physicochemical variation, residue mobility, and thermodynamic stability) performed at Invitae indicates that this missense variant is expected to disrupt ATP7B protein function. This variant disrupts the p.Lys1010 amino acid residue in ATP7B. Other variant(s) that disrupt this residue have been determined to be pathogenic (PMID: 18698682, 30120852). This suggests that this residue is clinically significant, and that variants that disrupt this residue are likely to be disease-causing. For these reasons, this variant has been classified as Pathogenic.

Genome-Nilou Lab
Classification: Likely pathogenic for Wilson disease. Last evaluated: 2021-08-10. Review status: criteria provided, single submitter. Criteria: ACMG Guidelines, 2015. Collection method: clinical testing. Allele origin: germline. Affected: no.

Literature cited by the submitters: PubMed 35220961 (cited by Natera, Inc.); PubMed 20453399 (cited by Natera, Inc.); PubMed 25130000 (cited by Natera, Inc. and All of Us Research Program, National Institutes of Health); PubMed 32281751 (cited by Natera, Inc. and Mayo Clinic Laboratories, Mayo Clinic); PubMed 10790207 (cited by All of Us Research Program, National Institutes of Health); PubMed 11721763 (cited by 3 submitters); PubMed 25089800 (cited by All of Us Research Program, National Institutes of Health); PubMed 27022412 (cited by All of Us Research Program, National Institutes of Health and Mayo Clinic Laboratories, Mayo Clinic); PubMed 29930488 (cited by All of Us Research Program, National Institutes of Health and Mayo Clinic Laboratories, Mayo Clinic); PubMed 31172689 (cited by All of Us Research Program, National Institutes of Health); PubMed 34240825 (cited by All of Us Research Program, National Institutes of Health and Mayo Clinic Laboratories, Mayo Clinic); PubMed 35245129 (cited by All of Us Research Program, National Institutes of Health); PubMed 35782615 (cited by All of Us Research Program, National Institutes of Health and Mayo Clinic Laboratories, Mayo Clinic); PubMed 16998622 (cited by Mayo Clinic Laboratories, Mayo Clinic); PubMed 21645214 (cited by Mayo Clinic Laboratories, Mayo Clinic); PubMed 22692182 (cited by Mayo Clinic Laboratories, Mayo Clinic); PubMed 34470610 (cited by Mayo Clinic Laboratories, Mayo Clinic); PubMed 35388883 (cited by Mayo Clinic Laboratories, Mayo Clinic); PubMed 36253962 (cited by Mayo Clinic Laboratories, Mayo Clinic); PubMed 18698682 (cited by Labcorp Genetics (formerly Invitae), Labcorp); PubMed 30120852 (cited by Labcorp Genetics (formerly Invitae), Labcorp).

NM_000053.4(ATP7B):c.3029A>C (p.Lys1010Thr)

Gene: ATP7B (ATPase copper transporting beta; minus strand). Cytogenetic location: 13q14.3.
Variant type: single nucleotide variant.
Coding change: c.3029A>C on transcript NM_000053.4 (MANE Select); coding-DNA position 3029, A replaced by C.
Protein change: p.Lys1010Thr; replaces lysine 1010 with threonine.
Molecular consequence: missense variant.
Genome position (GRCh38, 1-based): chr13:51,946,315, T>G on the plus strand (A>C on the coding strand, the complement: ATP7B is on the minus strand). VCF-style: chr13-51946315-T-G. GRCh37 (hg19) VCF-style: chr13-52520451-T-G.
Other names: p.Lys1010Thr; c.2408A>C, p.Lys803Thr (NM_001005918.3); c.2696A>C, p.Lys899Thr (NM_001243182.2); c.2795A>C, p.Lys932Thr (NM_001330578.2); c.2777A>C, p.Lys926Thr (NM_001330579.2); c.3029A>C (NM_000053.3); short protein forms K1010T, K803T, K899T, K926T, K932T.
Identifiers: ClinVar variation 1075647 (VCV001075647.16), dbSNP rs747584649, ClinGen allele CA388031901.